The following is an entry in ClinVar:

ClinVar aggregate classification (germline): Uncertain significance (1 of 4 stars; one submission).

Allele frequency attached by ClinVar (database versions not stated): gnomAD exomes 0.00001; ExAC 0.00002; gnomAD 0.00003; TOPMed 0.00006; ESP Exome Variant Server 0.00008.
gnomAD v4.1: 21 of 1,614,066 alleles (0.0013%); highest among the groups gnomAD compares: African/African-American, 0.0067%; no homozygotes.

Submission:

Labcorp Genetics (formerly Invitae), Labcorp
Classification: Uncertain significance. Last evaluated: 2022-11-01. Review status: criteria provided, single submitter. Criteria: Invitae Variant Classification Sherloc (09022015). Collection method: clinical testing. Allele origin: germline.
Comment: This sequence change replaces valine, which is neutral and non-polar, with isoleucine, which is neutral and non-polar, at codon 78 of the NAXD protein (p.Val78Ile). This variant is present in population databases (rs148659418, gnomAD 0.008%). This variant has not been reported in the literature in individuals affected with NAXD-related conditions. Advanced modeling of protein sequence and biophysical properties (such as structural, functional, and spatial information, amino acid conservation, physicochemical variation, residue mobility, and thermodynamic stability) performed at Invitae indicates that this missense variant is not expected to disrupt NAXD protein function. In summary, the available evidence is currently insufficient to determine the role of this variant in disease. Therefore, it has been classified as a Variant of Uncertain Significance.

NM_001242882.2(NAXD):c.178G>A (p.Val60Ile)

Gene: NAXD (NAD(P)HX dehydratase; plus strand). Cytogenetic location: 13q34.
Variant type: single nucleotide variant.
Coding change: c.178G>A on transcript NM_001242882.2 (MANE Select); coding-DNA position 178, G replaced by A.
Protein change: p.Val60Ile; replaces valine 60 with isoleucine.
Molecular consequence: missense variant. On other transcripts: non-coding transcript variant (2), intron variant (1).
Genome position (GRCh38, 1-based): chr13:110,622,347, G>A. VCF-style: chr13-110622347-G-A. GRCh37 (hg19) VCF-style: chr13-111274694-G-A.
Other names: c.232G>A, p.Val78Ile (NM_001242881.2, NM_018210.4); c.57-5092G>A (NM_001242883.2); short protein forms V78I, V60I.
Identifiers: ClinVar variation 1983941 (VCV001983941.3), dbSNP rs148659418, ClinGen allele CA7051066.